The following is an entry in ClinVar:

ClinVar aggregate classification (germline): Conflicting classifications of pathogenicity. Review status: criteria provided, conflicting classifications (1 of 4 stars). 2 submissions from 2 submitters: Likely pathogenic (1); Uncertain significance (1). Last evaluated 2025-04-02.

Conditions:
Mucopolysaccharidosis, MPS-IV-B (MPS4B). Also called: Mucopolysaccharidosis type 4B; Mucopolysaccharidosis type IVB (Morquio); MPS IVB; MORQUIO SYNDROME B; Mucopolysaccharidosis type IV B; Mucopolysaccharidosis Type IVB. Identifiers: Orphanet 309310, Orphanet 582, MedGen C0086652, MONDO:0009660, OMIM 253010.
GM1 gangliosidosis. Identifiers: Orphanet 354, MedGen C0085131, MONDO:0018149.

Submissions (2):

Women's Health and Genetics/Laboratory Corporation of America, LabCorp
Classification: Uncertain significance. Last evaluated: 2025-04-02. Review status: criteria provided, single submitter. Criteria: LabCorp Variant Classification Summary - May 2015. Collection method: clinical testing. Allele origin: germline.
Comment: Variant summary: GLB1 c.572G>C (p.Ser191Thr) results in a conservative amino acid change in the encoded protein sequence. Four of five in-silico tools predict a damaging effect of the variant on protein function. The variant was absent in 246868 control chromosomes. The available data on variant occurrences in the general population are insufficient to allow any conclusion about variant significance. To our knowledge, no occurrence of c.572G>C in individuals affected with GLB1-related conditions and no experimental evidence demonstrating its impact on protein function have been reported. ClinVar contains an entry for this variant (Variation ID: 2945675). Based on the evidence outlined above, the variant was classified as uncertain significance.

Labcorp Genetics (formerly Invitae), Labcorp
Classification: Likely pathogenic for Mucopolysaccharidosis, MPS-IV-B; GM1 gangliosidosis. Last evaluated: 2023-03-23. Review status: criteria provided, single submitter. Criteria: Invitae Variant Classification Sherloc (09022015). Collection method: clinical testing. Allele origin: germline.
Comment: In summary, the currently available evidence indicates that the variant is pathogenic, but additional data are needed to prove that conclusively. Therefore, this variant has been classified as Likely Pathogenic. This variant disrupts the p.Ser191 amino acid residue in GLB1. Other variant(s) that disrupt this residue have been determined to be pathogenic (PMID: 21497194, 32779865). This suggests that this residue is clinically significant, and that variants that disrupt this residue are likely to be disease-causing. Advanced modeling of protein sequence and biophysical properties (such as structural, functional, and spatial information, amino acid conservation, physicochemical variation, residue mobility, and thermodynamic stability) performed at Invitae indicates that this missense variant is expected to disrupt GLB1 protein function. This variant has not been reported in the literature in individuals affected with GLB1-related conditions. This variant is not present in population databases (gnomAD no frequency). This sequence change replaces serine, which is neutral and polar, with threonine, which is neutral and polar, at codon 191 of the GLB1 protein (p.Ser191Thr).

Literature cited by the submitters: PubMed 21497194 (cited by Labcorp Genetics (formerly Invitae), Labcorp); PubMed 32779865 (cited by Labcorp Genetics (formerly Invitae), Labcorp).

NM_000404.4(GLB1):c.572G>C (p.Ser191Thr)

Gene: GLB1 (galactosidase beta 1; minus strand). Cytogenetic location: 3p22.3.
Variant type: single nucleotide variant.
Coding change: c.572G>C on transcript NM_000404.4 (MANE Select); coding-DNA position 572, G replaced by C.
Protein change: p.Ser191Thr; replaces serine 191 with threonine.
Molecular consequence: missense variant. On other transcripts: intron variant (1).
Genome position (GRCh38, 1-based): chr3:33,058,250, C>G on the plus strand (G>C on the coding strand, the complement: GLB1 is on the minus strand). VCF-style: chr3-33058250-C-G. GRCh37 (hg19) VCF-style: chr3-33099742-C-G.
Other names: c.341-4701G>C (NM_001135602.3); c.482G>C, p.Ser161Thr (NM_001079811.3); c.716G>C, p.Ser239Thr (NM_001317040.2); c.572G>C, p.Ser191Thr (NM_001393580.1); short protein forms S239T, S161T, S191T.
Identifiers: ClinVar variation 2945675 (VCV002945675.5), dbSNP rs1553611055, ClinGen allele CA352004833.